The following is an entry in ClinVar:

NM_012330.4(KAT6B):c.4065GGA[6] (p.Glu1368dup)

Gene: KAT6B (lysine acetyltransferase 6B; plus strand). Cytogenetic location: 10q22.2.
Variant type: Microsatellite.
Coding change: c.4065GGA[6] on transcript NM_012330.4 (MANE Select); six copies in a row of the 3-base unit GGA starting at c.4065; the reference has five copies in a row; one copy, 3 bases duplicated.
Protein change: p.Glu1368dup; duplicates glutamic acid 1368.
Molecular consequence: inframe insertion.
Genome position (GRCh38, 1-based): chr10:75,028,901-75,028,903, GGA duplicated; duplicating any 3 consecutive bases within chr10:75,028,887-75,028,903 gives the same sequence; the position shown is the placement nearest the transcript's 3' end. VCF-style (leftmost placement, unchanged base first): chr10-75028886-A-AGAG. GRCh37 (hg19) VCF-style: chr10-76788644-A-AGAG.
Other names: c.3516GGA[6], p.Glu1185dup (NM_001256468.2, NM_001370138.1); c.3189GGA[6], p.Glu1076dup (NM_001256469.2, NM_001370139.1, NM_001370140.1 and 2 more transcripts); c.3027GGA[6], p.Glu1022dup (NM_001370132.1); c.2376GGA[6], p.Glu805dup (NM_001370133.1); c.1980GGA[6], p.Glu673dup (NM_001370134.1); c.1722GGA[6], p.Glu587dup (NM_001370135.1); c.4065GGA[6], p.Glu1368dup (NM_001370136.1, NM_001370137.1); c.3000GGA[6], p.Glu1013dup (NM_001370143.1, NM_001370144.1).
Identifiers: ClinVar variation 509215 (VCV000509215.7), dbSNP rs367634881, ClinGen allele CA5564955.

ClinVar aggregate classification (germline): Likely benign. Review status: criteria provided, multiple submitters, no conflicts (2 of 4 stars). 3 submissions from 3 submitters: Likely benign (3). Last evaluated 2026-02-05.

Conditions:
Genitopatellar syndrome (GTPTS). Also called: Genitopatellar syndrome (GPS); ABSENT PATELLAE, SCROTAL HYPOPLASIA, RENAL ANOMALIES, FACIAL DYSMORPHISM, AND MENTAL RETARDATION. Identifiers: Orphanet 85201, MedGen C1853566, MONDO:0011640, OMIM 606170.
KAT6B-related disorder. Also called: KAT6B-related disorders; KAT6B-related condition.

Submissions (3):

PreventionGenetics, part of Exact Sciences
Classification: Likely benign for KAT6B-related condition. Last evaluated: 2026-02-05. Review status: criteria provided, single submitter. Criteria: ACMG Guidelines, 2015. Collection method: clinical testing. Allele origin: germline.
Comment: This variant is classified as likely benign based on ACMG/AMP sequence variant interpretation guidelines (Richards et al. 2015 PMID: 25741868, with internal and published modifications).

Labcorp Genetics (formerly Invitae), Labcorp
Classification: Likely benign for Genitopatellar syndrome. Last evaluated: 2026-01-25. Review status: criteria provided, single submitter. Criteria: Invitae Variant Classification Sherloc (09022015). Collection method: clinical testing. Allele origin: germline.

GeneDx
Classification: Likely benign. Last evaluated: 2017-04-25. Review status: criteria provided, single submitter. Criteria: GeneDx Variant Classification (06012015). Collection method: clinical testing. Allele origin: germline. Affected: yes.
Comment: This variant is considered likely benign or benign based on one or more of the following criteria: it is a conservative change, it occurs at a poorly conserved position in the protein, it is predicted to be benign by multiple in silico algorithms, and/or has population frequency not consistent with disease.